The following is an entry in ClinVar:

NM_000256.3(MYBPC3):c.91G>A (p.Ala31Thr)

Gene: MYBPC3 (myosin binding protein C3; minus strand). Cytogenetic location: 11p11.2.
Variant type: single nucleotide variant.
Coding change: c.91G>A on transcript NM_000256.3 (MANE Select); coding-DNA position 91, G replaced by A.
Protein change: p.Ala31Thr; replaces alanine 31 with threonine.
Molecular consequence: missense variant.
Genome position (GRCh38, 1-based): chr11:47,351,440, C>T on the plus strand (G>A on the coding strand, the complement: MYBPC3 is on the minus strand). VCF-style: chr11-47351440-C-T. GRCh37 (hg19) VCF-style: chr11-47372991-C-T.
Other names: short protein forms A31T.
Identifiers: ClinVar variation 3069815 (VCV003069815.1), dbSNP rs536744834, ClinGen allele CA057465.

ClinVar aggregate classification (germline): Uncertain significance (1 of 4 stars; one submission).

Conditions:
Hypertrophic cardiomyopathy. Also called: HYPERTROPHIC MYOCARDIOPATHY. Identifiers: Orphanet 217569, MedGen C0007194, MeSH D002312, MONDO:0005045, HP:0001639.

Allele frequency attached by ClinVar (database versions not stated): ExAC 0.00001; gnomAD 0.00001; 1000 Genomes Project 30x 0.00016; 1000 Genomes Project 0.00020; gnomAD exomes below 0.00001.
gnomAD v4.1: 2 of 1,609,008 alleles (0.00012%); highest among the groups gnomAD compares: East Asian, 0.0045%; no homozygotes.

Submission:

All of Us Research Program, National Institutes of Health
Classification: Uncertain significance for Hypertrophic cardiomyopathy. Last evaluated: 2023-12-01. Review status: criteria provided, single submitter. Criteria: ACMG Guidelines, 2015. Collection method: clinical testing. Allele origin: germline. Inheritance: Autosomal dominant inheritance. Observed: 2 variant alleles, 2 heterozygotes.
Comment: This missense variant replaces alanine with threonine at codon 31 of the MYBPC3 protein. Computational prediction suggests that this variant may not impact protein structure and function (internally defined REVEL score threshold <= 0.5, PMID: 27666373). To our knowledge, functional studies have not been reported for this variant. This variant has not been reported in individuals affected with MYBPC3-related disorders in the literature. This variant has been identified in 1/240692 chromosomes in the general population by the Genome Aggregation Database (gnomAD). The available evidence is insufficient to determine the role of this variant in disease conclusively. Therefore, this variant is classified as a Variant of Uncertain Significance.

This study involves interpretation of variants in research participants for the purpose of population health screening. Participant phenotype was not available at the time of variant classification. Additional details can be found in publication PMID: 35346344, PMCID: PMC8962531